The following is an entry in ClinVar:

NM_000038.6(APC):c.7493C>T (p.Ser2498Phe)

Gene: APC (APC regulator of Wnt signaling pathway; plus strand). Cytogenetic location: 5q22.2.
Variant type: single nucleotide variant.
Coding change: c.7493C>T on transcript NM_000038.6 (MANE Select); coding-DNA position 7493, C replaced by T.
Protein change: p.Ser2498Phe; replaces serine 2498 with phenylalanine.
Molecular consequence: missense variant.
Genome position (GRCh38, 1-based): chr5:112,843,087, C>T. VCF-style: chr5-112843087-C-T. GRCh37 (hg19) VCF-style: chr5-112178784-C-T.
Other names: c.7493C>T, p.Ser2498Phe (NM_001127510.3, NM_001354895.2); c.7439C>T, p.Ser2480Phe (NM_001127511.3); c.7547C>T, p.Ser2516Phe (NM_001354896.2); c.7523C>T, p.Ser2508Phe (NM_001354897.2); c.7418C>T, p.Ser2473Phe (NM_001354898.2); c.7409C>T, p.Ser2470Phe (NM_001354899.2); c.7370C>T, p.Ser2457Phe (NM_001354900.2); c.7316C>T, p.Ser2439Phe (NM_001354901.2); and 5 more; short protein forms S2215F, S2407F, S2439F, S2480F, S2498F, S2508F, S2338F, S2397F.
Identifiers: ClinVar variation 827083 (VCV000827083.4), dbSNP rs1561615959, ClinGen allele CA16037630.
Genomic context (GRCh38, chr5:112,843,087, plus strand): 5'-AGGCACAAACTCCAGTTTTAAGTCCTTCCCTTCCTGATATGTCTCTATCCACACATTCGT[C>T]TGTTCAGGCTGGTGGATGGCGAAAACTCCCACCTAATCTCAGTCCCACTATAGAGTATAA-3'
Protein context (NP_000029.2, residues 2488-2508): LPDMSLSTHS[Ser2498Phe]VQAGGWRKLP

ClinVar aggregate classification (germline): Uncertain significance (1 of 4 stars; one submission).

Conditions:
Hereditary cancer-predisposing syndrome. Also called: Neoplastic Syndromes, Hereditary; Tumor predisposition; Hereditary neoplastic syndrome; Hereditary Cancer Syndrome. Identifiers: Orphanet 140162, MedGen C0027672, MeSH D009386, MONDO:0015356.

gnomAD v4.1: 1 of 1,614,088 alleles (0.000062%); highest among the groups gnomAD compares: Non-Finnish European, 0.000085%; no homozygotes.

Submission:

Ambry Genetics
Classification: Uncertain significance for Hereditary cancer-predisposing syndrome. Last evaluated: 2018-09-07. Review status: criteria provided, single submitter. Criteria: Ambry Variant Classification Scheme 2023. Collection method: clinical testing. Allele origin: germline.
Comment: The p.S2498F variant (also known as c.7493C>T), located in coding exon 15 of the APC gene, results from a C to T substitution at nucleotide position 7493. The serine at codon 2498 is replaced by phenylalanine, an amino acid with highly dissimilar properties. This amino acid position is well conserved in available vertebrate species. In addition, in silico predictors for this gene do not accurately predict pathogenicity. Since supporting evidence is limited at this time, the clinical significance of this alteration remains unclear.